The following is an entry in ClinVar:

NC_000015.10:g.84817021C>G

Gene: ALPK3 (alpha kinase 3; plus strand). Cytogenetic location: 15q25.3.
Variant type: single nucleotide variant.
Genome position: GRCh38 VCF-style: chr15-84817021-C-G. GRCh37 (hg19) VCF-style: chr15-85360252-C-G.
Identifiers: ClinVar variation 386372 (VCV000386372.19), dbSNP rs115389253, ClinGen allele CA7708805.

ClinVar aggregate classification (germline): Benign/Likely benign. Review status: criteria provided, multiple submitters, no conflicts (2 of 4 stars). 9 submissions from 9 submitters: Benign (5); Likely benign (1). 3 of the submissions do not count toward it. Last evaluated 2026-02-02.

Conditions:
Cardiomyopathy, familial hypertrophic 27. Identifiers: MedGen C4748014, MONDO:0054838, OMIM 618052.
ALPK3-related disorder. Also called: ALPK3-related condition.
Cardiovascular phenotype. Identifiers: MedGen CN230736.

Allele frequency attached by ClinVar (database versions not stated): gnomAD 0.00431; ESP Exome Variant Server 0.00523; TOPMed 0.00625; 1000 Genomes Project 30x 0.00515; 1000 Genomes Project 0.00559; ExAC 0.00178; gnomAD exomes 0.00144.

Submissions (9):

Labcorp Genetics (formerly Invitae), Labcorp
Classification: Benign. Last evaluated: 2026-02-02. Review status: criteria provided, single submitter. Criteria: Invitae Variant Classification Sherloc (09022015). Collection method: clinical testing. Allele origin: germline.

ARUP Laboratories, Molecular Genetics and Genomics, ARUP Laboratories
Classification: Benign for Cardiomyopathy, familial hypertrophic 27. Last evaluated: 2025-06-18. Review status: criteria provided, single submitter. Criteria: ARUP Molecular Germline Variant Investigation Process 2024. Collection method: clinical testing. Allele origin: germline.

Molecular Diagnostic Laboratory for Inherited Cardiovascular Disease, Montreal Heart Institute
Classification: Likely benign. Last evaluated: 2025-04-09. Review status: criteria provided, single submitter. Criteria: ACMG Guidelines, 2015. Collection method: clinical testing. Allele origin: germline. Affected: no.

Ambry Genetics
Classification: Benign for Cardiovascular phenotype. Last evaluated: 2018-12-24. Review status: criteria provided, single submitter. Criteria: Ambry Variant Classification Scheme 2023. Collection method: clinical testing. Allele origin: germline.

GeneDx
Classification: Benign. Last evaluated: 2018-06-29. Review status: criteria provided, single submitter. Criteria: GeneDx Variant Classification Process June 2021. Collection method: clinical testing. Allele origin: germline. Affected: yes.

Breakthrough Genomics
Classification: Benign. Review status: criteria provided, single submitter. Criteria: ACMG Guidelines, 2015. Collection method: not provided. Allele origin: germline. Inheritance: Autosomal recessive inheritance. Affected: yes.

PreventionGenetics, part of Exact Sciences
Classification: Benign for ALPK3-related condition. Last evaluated: 2019-03-14. Review status: no assertion criteria provided. Collection method: clinical testing. Allele origin: germline. Not counted in ClinVar's aggregate classification.
Comment: This variant is classified as benign based on ACMG/AMP sequence variant interpretation guidelines (Richards et al. 2015 PMID: 25741868, with internal and published modifications).

Clinical Genetics DNA and cytogenetics Diagnostics Lab, Erasmus MC, Erasmus Medical Center
Classification: Benign. Review status: no assertion criteria provided. Collection method: clinical testing. Allele origin: germline. Affected: yes. Study: VKGL Data-share Consensus. Not counted in ClinVar's aggregate classification.

Clinical Genetics, Academic Medical Center
Classification: Benign. Review status: no assertion criteria provided. Collection method: clinical testing. Allele origin: germline. Affected: yes. Study: VKGL Data-share Consensus. Not counted in ClinVar's aggregate classification.